The following is an entry in ClinVar:

NM_001001957.2(OR2W3):c.636G>A (p.Val212=)

Gene: OR2W3 (olfactory receptor family 2 subfamily W member 3; plus strand). Cytogenetic location: 1q44.
Variant type: single nucleotide variant.
Coding change: c.636G>A on transcript NM_001001957.2 (MANE Select); coding-DNA position 636, G replaced by A.
Protein change: p.Val212=; no amino-acid change (valine 212 retained).
Molecular consequence: synonymous variant.
Genome position (GRCh38, 1-based): chr1:247,896,222, G>A. VCF-style: chr1-247896222-G-A. GRCh37 (hg19) VCF-style: chr1-248059524-G-A.
Identifiers: ClinVar variation 1913854 (VCV001913854.5), dbSNP rs2527688943, ClinGen allele CA424738462.

ClinVar aggregate classification (germline): Uncertain significance (1 of 4 stars; one submission).

Submission:

Labcorp Genetics (formerly Invitae), Labcorp
Classification: Uncertain significance. Last evaluated: 2022-11-28. Review status: criteria provided, single submitter. Criteria: Invitae Variant Classification Sherloc (09022015). Collection method: clinical testing. Allele origin: germline.
Comment: This sequence change affects codon 212 of the OR2W3 mRNA. It is a 'silent' change, meaning that it does not change the encoded amino acid sequence of the OR2W3 protein. In summary, the available evidence is currently insufficient to determine the role of this variant in disease. Therefore, it has been classified as a Variant of Uncertain Significance. Algorithms developed to predict the effect of sequence changes on RNA splicing suggest that this variant may create or strengthen a splice site. This variant has not been reported in the literature in individuals affected with OR2W3-related conditions. This variant is not present in population databases (gnomAD no frequency).